The following is an entry in ClinVar:

NM_005359.6(SMAD4):c.274C>T (p.His92Tyr)

Gene: SMAD4 (SMAD family member 4; plus strand). Cytogenetic location: 18q21.2.
Variant type: single nucleotide variant.
Coding change: c.274C>T on transcript NM_005359.6 (MANE Select); coding-DNA position 274, C replaced by T.
Protein change: p.His92Tyr; replaces histidine 92 with tyrosine.
Molecular consequence: missense variant.
Genome position (GRCh38, 1-based): chr18:51,048,710, C>T. VCF-style: chr18-51048710-C-T. GRCh37 (hg19) VCF-style: chr18-48575080-C-T.
Other names: c.274C>T, p.His92Tyr (NM_001407041.1, NM_001407042.1, NM_001407043.1); short protein forms H92Y.
Identifiers: ClinVar variation 1795533 (VCV001795533.3), dbSNP rs2144405210, ClinGen allele CA402458217.

ClinVar aggregate classification (germline): Uncertain significance (1 of 4 stars; one submission).

Conditions:
Familial thoracic aortic aneurysm and aortic dissection (TAAD). Also called: Thoracic aortic aneurysms and dissections. Identifiers: Orphanet 91387, MedGen C4707243, MONDO:0019625.
Hereditary cancer-predisposing syndrome. Also called: Hereditary Cancer Syndrome; Hereditary neoplastic syndrome; Neoplastic Syndromes, Hereditary; Tumor predisposition. Identifiers: Orphanet 140162, MedGen C0027672, MeSH D009386, MONDO:0015356.

Submission:

Ambry Genetics
Classification: Uncertain significance for Hereditary cancer-predisposing syndrome; Familial thoracic aortic aneurysm and aortic dissection. Last evaluated: 2026-08-24. Review status: criteria provided, single submitter. Criteria: Ambry Variant Classification Scheme 2023. Collection method: clinical testing. Allele origin: germline.
Comment: The p.H92Y variant (also known as c.274C>T), located in coding exon 2 of the SMAD4 gene, results from a C to T substitution at nucleotide position 274. The histidine at codon 92 is replaced by tyrosine, an amino acid with similar properties. This variant was reported in individual(s) with features consistent with hereditary hemorrhagic telangiectasia (Ambry internal data). This missense variant is located in a region that has a low rate of benign missense variation (Lek M et al. Nature. 2016 Aug 18;536(7616):285-91; DECIPHER: Database of Chromosomal Imbalance and Phenotype in Humans using Ensembl Resources. Firth H.V. et al. 2009. Am.J.Hum.Genet. 84, 524-533 (DOI)). This amino acid position is highly conserved in available vertebrate species. In addition, this alteration is predicted to be deleterious by in silico analysis. Based on the available evidence, the clinical significance of this variant remains unclear.